The following is an entry in ClinVar:

NM_178170.3(NEK8):c.1003G>A (p.Val335Ile)

Gene: NEK8 (NIMA related kinase 8; plus strand). Cytogenetic location: 17q11.2.
Variant type: single nucleotide variant.
Coding change: c.1003G>A on transcript NM_178170.3 (MANE Select); coding-DNA position 1003, G replaced by A.
Protein change: p.Val335Ile; replaces valine 335 with isoleucine.
Molecular consequence: missense variant.
Genome position (GRCh38, 1-based): chr17:28,737,932, G>A. VCF-style: chr17-28737932-G-A. GRCh37 (hg19) VCF-style: chr17-27064950-G-A.
Other names: short protein forms V335I.
Identifiers: ClinVar variation 3898523 (VCV003898523.7).

ClinVar aggregate classification (germline): Uncertain significance (1 of 4 stars; one submission).

gnomAD v4.1: 3 of 1,613,266 alleles (0.00019%); highest among the groups gnomAD compares: Non-Finnish European, 0.00025%; no homozygotes.

Submission:

CeGaT Center for Human Genetics Tuebingen
Classification: Uncertain significance. Last evaluated: 2025-04-01. Review status: criteria provided, single submitter. Criteria: CeGaT Center For Human Genetics Tuebingen Variant Classification Criteria Version 2. Collection method: clinical testing. Allele origin: germline. Affected: yes. Observed: 1 variant allele.
Comment: NEK8: PM2, BP4